The following is an entry in ClinVar:

NM_007254.4(PNKP):c.1069T>C (p.Ser357Pro)

Gene: PNKP (polynucleotide kinase 3'-phosphatase; minus strand). Cytogenetic location: 19q13.33.
Variant type: single nucleotide variant.
Coding change: c.1069T>C on transcript NM_007254.4 (MANE Select); coding-DNA position 1069, T replaced by C.
Protein change: p.Ser357Pro; replaces serine 357 with proline.
Molecular consequence: missense variant.
Genome position (GRCh38, 1-based): chr19:49,862,242, A>G on the plus strand (T>C on the coding strand, the complement: PNKP is on the minus strand). VCF-style: chr19-49862242-A-G. GRCh37 (hg19) VCF-style: chr19-50365499-A-G.
Other names: c.1069T>C (NM_007254.3); short protein forms S357P.
Identifiers: ClinVar variation 2428137 (VCV002428137.9), dbSNP rs1459667378, ClinGen allele CA406879924.

ClinVar aggregate classification (germline): Uncertain significance. Review status: criteria provided, multiple submitters, no conflicts (2 of 4 stars). 2 submissions from 2 submitters: Uncertain significance (2). Last evaluated 2024-10-07.

Conditions:
Developmental and epileptic encephalopathy, 12 (DEE12). Identifiers: MedGen C3150988, MONDO:0013389, OMIM 613722.
Inborn genetic diseases. Identifiers: MedGen C0950123, MeSH D030342.

Allele frequency attached by ClinVar (database versions not stated): gnomAD 0.00001; TOPMed 0.00001.
gnomAD v4.1: 3 of 1,610,618 alleles (0.00019%); highest among the groups gnomAD compares: African/African-American, 0.004%; no homozygotes.

Submissions (2):

Ambry Genetics
Classification: Uncertain significance for Inborn genetic diseases. Last evaluated: 2024-10-07. Review status: criteria provided, single submitter. Criteria: Ambry Variant Classification Scheme 2023. Collection method: clinical testing. Allele origin: germline.

Labcorp Genetics (formerly Invitae), Labcorp
Classification: Uncertain significance for Developmental and epileptic encephalopathy, 12. Last evaluated: 2022-03-13. Review status: criteria provided, single submitter. Criteria: Invitae Variant Classification Sherloc (09022015). Collection method: clinical testing. Allele origin: germline.
Comment: In summary, the available evidence is currently insufficient to determine the role of this variant in disease. Therefore, it has been classified as a Variant of Uncertain Significance. Algorithms developed to predict the effect of missense changes on protein structure and function (SIFT, PolyPhen-2, Align-GVGD) all suggest that this variant is likely to be tolerated. This variant has not been reported in the literature in individuals affected with PNKP-related conditions. This variant is present in population databases (no rsID available, gnomAD 0.01%). This sequence change replaces serine, which is neutral and polar, with proline, which is neutral and non-polar, at codon 357 of the PNKP protein (p.Ser357Pro).